The following is an entry in ClinVar:

NM_004260.4(RECQL4):c.2053G>A (p.Asp685Asn)

Gene: RECQL4 (RecQ like helicase 4; minus strand). Cytogenetic location: 8q24.3.
Variant type: single nucleotide variant.
Coding change: c.2053G>A on transcript NM_004260.4 (MANE Select); coding-DNA position 2053, G replaced by A.
Protein change: p.Asp685Asn; replaces aspartic acid 685 with asparagine.
Molecular consequence: missense variant.
Genome position (GRCh38, 1-based): chr8:144,513,933, C>T on the plus strand (G>A on the coding strand, the complement: RECQL4 is on the minus strand). VCF-style: chr8-144513933-C-T. GRCh37 (hg19) VCF-style: chr8-145739317-C-T.
Other names: c.2053G>A (NM_004260.3); short protein forms D685N.
Identifiers: ClinVar variation 1492077 (VCV001492077.7), dbSNP rs765039635, ClinGen allele CA4948533.

ClinVar aggregate classification (germline): Uncertain significance. Review status: criteria provided, multiple submitters, no conflicts (2 of 4 stars). 2 submissions from 2 submitters: Uncertain significance (2). Last evaluated 2025-10-05.

Conditions:
Baller-Gerold syndrome (BGS). Also called: CRANIOSYNOSTOSIS WITH RADIAL DEFECTS. Identifiers: Orphanet 1225, MedGen C0265308, MONDO:0009039, OMIM 218600.
Inborn genetic diseases. Identifiers: MedGen C0950123, MeSH D030342.

Allele frequency attached by ClinVar (database versions not stated): gnomAD exomes 0.00001; TOPMed 0.00001; ExAC 0.00006.

Submissions (2):

Ambry Genetics
Classification: Uncertain significance for Inborn genetic diseases. Last evaluated: 2025-10-05. Review status: criteria provided, single submitter. Criteria: Ambry Variant Classification Scheme 2023. Collection method: clinical testing. Allele origin: germline.
Comment: The p.D685N variant (also known as c.2053G>A), located in coding exon 12 of the RECQL4 gene, results from a G to A substitution at nucleotide position 2053. The aspartic acid at codon 685 is replaced by asparagine, an amino acid with highly similar properties. This amino acid position is conserved. In addition, this alteration is predicted to be tolerated by in silico analysis. Based on the available evidence, the clinical significance of this variant remains unclear.

Labcorp Genetics (formerly Invitae), Labcorp
Classification: Uncertain significance for Baller-Gerold syndrome. Last evaluated: 2023-09-01. Review status: criteria provided, single submitter. Criteria: Invitae Variant Classification Sherloc (09022015). Collection method: clinical testing. Allele origin: germline.
Comment: In summary, the available evidence is currently insufficient to determine the role of this variant in disease. Therefore, it has been classified as a Variant of Uncertain Significance. Advanced modeling of protein sequence and biophysical properties (such as structural, functional, and spatial information, amino acid conservation, physicochemical variation, residue mobility, and thermodynamic stability) performed at Invitae indicates that this missense variant is not expected to disrupt RECQL4 protein function. ClinVar contains an entry for this variant (Variation ID: 1492077). This variant has not been reported in the literature in individuals affected with RECQL4-related conditions. This variant is present in population databases (rs765039635, gnomAD 0.006%). This sequence change replaces aspartic acid, which is acidic and polar, with asparagine, which is neutral and polar, at codon 685 of the RECQL4 protein (p.Asp685Asn).